The following is an entry in ClinVar:

ClinVar aggregate classification (germline): Likely benign. Review status: reviewed by expert panel (3 of 4 stars). 4 submissions from 4 submitters: Likely benign (1). 3 of the submissions do not count toward it. Last evaluated 2017-06-29.

Conditions:
Hereditary cancer-predisposing syndrome. Also called: Tumor predisposition; Hereditary Cancer Syndrome; Neoplastic Syndromes, Hereditary; Hereditary neoplastic syndrome. Identifiers: Orphanet 140162, MedGen C0027672, MeSH D009386, MONDO:0015356.
Hereditary breast ovarian cancer syndrome. Also called: Breast and ovarian cancer; Hereditary breast and ovarian cancer; Hereditary breast and ovarian cancer syndrome; Hereditary breast and/or ovarian cancer syndrome; BRCA1- and BRCA2-Associated Hereditary Breast and Ovarian Cancer; Hereditary breast and ovarian cancer syndrome (HBOC). Identifiers: Orphanet 145, MedGen C0677776, MeSH D061325, MONDO:0003582. Disease mechanism: loss of function.
Breast-ovarian cancer, familial, susceptibility to, 1 (BROVCA1). Also called: BRCA1 Hereditary Breast and Ovarian Cancer; OVARIAN CANCER, SUSCEPTIBILITY TO. Identifiers: Orphanet 145, MedGen C2676676, MONDO:0011450, OMIM 604370. Disease mechanism: loss of function.

Allele frequency attached by ClinVar (database versions not stated): gnomAD 0.00001; TOPMed 0.00001.
gnomAD v4.1: 1 of 1,613,590 alleles (0.000062%); no homozygotes.

Submissions (4):

Evidence-based Network for the Interpretation of Germline Mutant Alleles (ENIGMA)
Classification: Likely benign for Breast-ovarian cancer, familial, susceptibility to, 1. Last evaluated: 2017-06-29. Review status: reviewed by expert panel. Criteria: ENIGMA BRCA1/2 Classification Criteria (2017-06-29). Collection method: curation. Allele origin: germline.
Comment: Synonymous substitution variant, with low bioinformatic likelihood to result in a splicing aberration (Splicing prior probability 0.02).

Labcorp Genetics (formerly Invitae), Labcorp
Classification: Likely benign for Hereditary breast ovarian cancer syndrome. Last evaluated: 2024-01-19. Review status: criteria provided, single submitter. Criteria: Invitae Variant Classification Sherloc (09022015). Collection method: clinical testing. Allele origin: germline. Not counted in ClinVar's aggregate classification.

Ambry Genetics
Classification: Likely benign for Hereditary cancer-predisposing syndrome. Last evaluated: 2018-09-24. Review status: criteria provided, single submitter. Criteria: Ambry Variant Classification Scheme 2023. Collection method: clinical testing. Allele origin: germline. Not counted in ClinVar's aggregate classification.

Color Diagnostics, LLC DBA Color Health
Classification: Likely benign for Hereditary cancer-predisposing syndrome. Last evaluated: 2018-07-31. Review status: criteria provided, single submitter. Criteria: ACMG Guidelines, 2015. Collection method: clinical testing. Allele origin: germline. Not counted in ClinVar's aggregate classification.

NM_007294.4(BRCA1):c.5574C>T (p.Ile1858=)

Gene: BRCA1 (BRCA1 DNA repair associated; minus strand). Cytogenetic location: 17q21.31.
Variant type: single nucleotide variant.
Coding change: c.5574C>T on transcript NM_007294.4 (MANE Select); coding-DNA position 5574, C replaced by T.
Protein change: p.Ile1858=; no amino-acid change (isoleucine 1858 retained).
Molecular consequence: synonymous variant. On other transcripts: 3 prime UTR variant (17).
Genome position (GRCh38, 1-based): chr17:43,045,696, G>A on the plus strand (C>T on the coding strand, the complement: BRCA1 is on the minus strand). VCF-style: chr17-43045696-G-A. GRCh37 (hg19) VCF-style: chr17-41197713-G-A.
Other names: c.5361C>T, p.Ile1787= (NM_001407571.1, NM_001407894.1, NM_001407895.1 and 12 more transcripts); c.5640C>T, p.Ile1880= (NM_001407581.1, NM_001407582.1); c.5637C>T, p.Ile1879= (NM_001407583.1, NM_001407585.1, NM_001407587.1 and 1 more transcripts); c.5634C>T, p.Ile1878= (NM_001407590.1, NM_001407591.1); c.5574C>T, p.Ile1858= (NM_001407593.1, NM_001407594.1, NM_001407596.1 and 5 more transcripts); c.5571C>T, p.Ile1857= (NM_001407610.1, NM_001407611.1, NM_001407612.1 and 14 more transcripts); c.5568C>T, p.Ile1856= (NM_001407627.1, NM_001407628.1, NM_001407629.1 and 13 more transcripts); c.5565C>T, p.Ile1855= (NM_001407644.1, NM_001407645.1); and 74 more.
Identifiers: ClinVar variation 232711 (VCV000232711.19), dbSNP rs876659941, ClinGen allele CA10580479.